The following is an entry in ClinVar:

ClinVar aggregate classification (germline): Conflicting classifications of pathogenicity. Review status: criteria provided, conflicting classifications (1 of 4 stars). 2 submissions from 2 submitters: Uncertain significance (1); Likely benign (1). Last evaluated 2024-08-21.

gnomAD v4.1: 12 of 1,613,992 alleles (0.00074%); highest among the groups gnomAD compares: South Asian, 0.0011%; no homozygotes.

Submissions (2):

Blueprint Genetics
Classification: Likely benign. Last evaluated: 2024-08-21. Review status: criteria provided, single submitter. Criteria: ACMG Guidelines, 2015. Collection method: clinical testing. Allele origin: germline.

Labcorp Genetics (formerly Invitae), Labcorp
Classification: Uncertain significance. Last evaluated: 2024-05-07. Review status: criteria provided, single submitter. Criteria: Invitae Variant Classification Sherloc (09022015). Collection method: clinical testing. Allele origin: germline.
Comment: This sequence change replaces glutamic acid, which is acidic and polar, with glutamine, which is neutral and polar, at codon 676 of the PRPF3 protein (p.Glu676Gln). This variant is present in population databases (rs782568395, gnomAD 0.0009%). This variant has not been reported in the literature in individuals affected with PRPF3-related conditions. This missense change has been observed in at least one individual who was not affected with PRPF3-related conditions (Invitae). An algorithm developed to predict the effect of missense changes on protein structure and function (PolyPhen-2) suggests that this variant is likely to be tolerated. In summary, the available evidence is currently insufficient to determine the role of this variant in disease. Therefore, it has been classified as a Variant of Uncertain Significance.

NM_004698.4(PRPF3):c.2026G>C (p.Glu676Gln)

Gene: PRPF3 (pre-mRNA processing factor 3; plus strand). Cytogenetic location: 1q21.2.
Variant type: single nucleotide variant.
Coding change: c.2026G>C on transcript NM_004698.4 (MANE Select); coding-DNA position 2026, G replaced by C.
Protein change: p.Glu676Gln; replaces glutamic acid 676 with glutamine.
Molecular consequence: missense variant. On other transcripts: non-coding transcript variant (4).
Genome position (GRCh38, 1-based): chr1:150,352,953, G>C. VCF-style: chr1-150352953-G-C. GRCh37 (hg19) VCF-style: chr1-150325429-G-C.
Other names: c.1621G>C, p.Glu541Gln (NM_001350529.1); short protein forms E541Q, E676Q.
Identifiers: ClinVar variation 3620485 (VCV003620485.3).
Genomic context (GRCh38, chr1:150,352,953, plus strand): 5'-ATGGCTCGTGAGCATTTCAAAAAGCATGGGGCTGAACACTACTGGGACCTTGCGCTGAGT[G>C]AATCTGTGTTAGAGTCCACTGATTGAGACTACTGCAAGCCCTTGCCTCTCCTCCCTTGCC-3'
Protein context (NP_004689.1, residues 666-683): AEHYWDLALS[Glu676Gln]SVLESTD